The following is an entry in ClinVar:

ClinVar aggregate classification (germline): Conflicting classifications of pathogenicity. Review status: criteria provided, conflicting classifications (1 of 4 stars). 2 submissions from 2 submitters: Likely pathogenic (1); Uncertain significance (1). Last evaluated 2025-08-29.

Conditions:
Hypophosphatasia. Also called: Phosphoethanol-aminuria. Identifiers: Orphanet 436, MedGen C0020630, MeSH D007014, MONDO:0018570.

Submissions (2):

Genomenon, Inc
Classification: Uncertain significance for Hypophosphatasia. Last evaluated: 2025-08-29. Review status: criteria provided, single submitter. Criteria: Genomenon Sequence Variant Interpretation Standards. Collection method: curation. Allele origin: germline. Affected: yes.
Comment: ALPL c.304_312dup is an in-frame duplication variant that results in the duplication of multiple amino acids, from Asparagine at position 102 to Asparagine at position 104. This variant has been observed in a proband affected with hypophosphatasia (PMID:38884565). It is absent or not present at a significant frequency in gnomAD. In conclusion, we classify ALPL p.Asn102_Asn104dup (c.304_312dup) as a variant of unknown significance.

JKU Lab, Dept of Paediatrics, Johannes Kepler University
Classification: Likely pathogenic for Hypophosphatasia. Last evaluated: 2025-04-24. Review status: criteria provided, single submitter. Criteria: ACMG Guidelines, 2015. Collection method: curation, in vitro. Allele origin: germline, not applicable. Affected: yes. Functional consequence: decreased enzyme activity.
Comment: This in-frame duplication variant is not present in GnomAD 4.1 and affects a highly conserved amino acid in the homodimeric interface domain. Splice-prediction algorithms predict no effect on splicing. In vitro functional studies showed reduced ALP activity, with a dominant negative effect.This variant has been reported in the literature in individuals affected with ALPL-related conditions (PMID:38884565). The results of the functional testing and the applied ACMG criteria can be viewed at an online resource

Literature cited by the submitters: PubMed 38884565 (cited by Genomenon, Inc and JKU Lab, Dept of Paediatrics, Johannes Kepler University).

NM_000478.6(ALPL):c.304_312dup (p.Asn104_Ala105insAsnThrAsn)

Gene: ALPL (alkaline phosphatase, biomineralization associated; plus strand). Cytogenetic location: 1p36.12.
Variant type: Duplication.
Coding change: c.304_312dup on transcript NM_000478.6 (MANE Select); coding-DNA positions 304 to 312, 9 bases duplicated (AACACCAAT; older notation c.304_312dupAACACCAAT).
Protein change: p.Asn104_Ala105insAsnThrAsn.
Genome position (GRCh38, 1-based): chr1:21,563,116-21,563,124, AACACCAAT duplicated. VCF-style (leftmost placement, unchanged base first): chr1-21563115-C-CAACACCAAT. GRCh37 (hg19) VCF-style: chr1-21889608-C-CAACACCAAT.
Other names: c.139_147dup, p.Asn49_Ala50insAsnThrAsn (NM_001127501.4); c.73_81dup, p.Asn27_Ala28insAsnThrAsn (NM_001177520.3); c.304_312dup, p.Asn104_Ala105insAsnThrAsn (NM_001369803.2, NM_001369804.2, NM_001369805.2).
Identifiers: ClinVar variation 3897562 (VCV003897562.5).